The following is an entry in ClinVar:

NM_001999.4(FBN2):c.787C>T (p.Arg263Trp)

Gene: FBN2 (fibrillin 2; minus strand). Cytogenetic location: 5q23.3.
Variant type: single nucleotide variant.
Coding change: c.787C>T on transcript NM_001999.4 (MANE Select); coding-DNA position 787, C replaced by T.
Protein change: p.Arg263Trp; replaces arginine 263 with tryptophan.
Molecular consequence: missense variant.
Genome position (GRCh38, 1-based): chr5:128,464,763, G>A on the plus strand (C>T on the coding strand, the complement: FBN2 is on the minus strand). VCF-style: chr5-128464763-G-A. GRCh37 (hg19) VCF-style: chr5-127800456-G-A.
Other names: short protein forms R263W.
Identifiers: ClinVar variation 213380 (VCV000213380.19), dbSNP rs151329128, ClinGen allele CA320328.

ClinVar aggregate classification (germline): Conflicting classifications of pathogenicity. Review status: criteria provided, conflicting classifications (1 of 4 stars). 4 submissions from 4 submitters: Uncertain significance (1); Likely benign (2). 1 of the submissions does not count toward it. Last evaluated 2026-01-04.

Conditions:
FBN2-related disorder. Also called: FBN2-related condition.
Congenital contractural arachnodactyly (CCA). Also called: Beals-Hecht syndrome; BEALS SYNDROME; Arthrogryposis, distal, type 9. Identifiers: Orphanet 115, MedGen C0220668, MONDO:0007363, OMIM 121050.
Familial thoracic aortic aneurysm and aortic dissection (TAAD). Also called: Thoracic aortic aneurysms and dissections. Identifiers: Orphanet 91387, MedGen C4707243, MONDO:0019625.

Allele frequency attached by ClinVar (database versions not stated): gnomAD 0.00001 and 0.00002; TOPMed 0.00005; ESP Exome Variant Server 0.00008; ExAC 0.00009; 1000 Genomes Project 30x 0.00016; 1000 Genomes Project 0.00020.

Submissions (4):

Labcorp Genetics (formerly Invitae), Labcorp
Classification: Likely benign for Congenital contractural arachnodactyly. Last evaluated: 2026-01-04. Review status: criteria provided, single submitter. Criteria: Invitae Variant Classification Sherloc (09022015). Collection method: clinical testing. Allele origin: germline.

Ambry Genetics
Classification: Likely benign for Familial thoracic aortic aneurysm and aortic dissection. Last evaluated: 2024-02-09. Review status: criteria provided, single submitter. Criteria: Ambry Variant Classification Scheme 2023. Collection method: clinical testing. Allele origin: germline.

GeneDx
Classification: Uncertain significance. Last evaluated: 2021-12-07. Review status: criteria provided, single submitter. Criteria: GeneDx Variant Classification Process June 2021. Collection method: clinical testing. Allele origin: germline. Affected: yes.
Comment: Has not been previously published as pathogenic or benign to our knowledge; In silico analysis supports that this missense variant has a deleterious effect on protein structure/function; Does not affect a cysteine residue within a calcium-binding EGF-like domain of the FBN2 gene; cysteine substitutions in the calcium-binding EGF-like domains represent the majority of pathogenic missense changes associated with FBN2-related disorders (Frederic et al., 2009); Reported in ClinVar as a variant of uncertain significance (ClinVar Variant ID# 213380; Landrum et al., 2016)

PreventionGenetics, part of Exact Sciences
Classification: Likely benign for FBN2-related condition. Last evaluated: 2024-07-09. Review status: no assertion criteria provided. Collection method: clinical testing. Allele origin: germline. Not counted in ClinVar's aggregate classification.
Comment: This variant is classified as likely benign based on ACMG/AMP sequence variant interpretation guidelines (Richards et al. 2015 PMID: 25741868, with internal and published modifications).

Literature cited by the submitters: PubMed 28518168 (cited by Ambry Genetics); PubMed 32461654 (cited by Ambry Genetics).